The following is an entry in ClinVar:

NM_001458.5(FLNC):c.5272C>T (p.Arg1758Trp)

Gene: FLNC (filamin C; plus strand). Cytogenetic location: 7q32.1.
Variant type: single nucleotide variant.
Coding change: c.5272C>T on transcript NM_001458.5 (MANE Select); coding-DNA position 5272, C replaced by T.
Protein change: p.Arg1758Trp; replaces arginine 1758 with tryptophan.
Molecular consequence: missense variant. On other transcripts: intron variant (1).
Genome position (GRCh38, 1-based): chr7:128,850,048, C>T. VCF-style: chr7-128850048-C-T. GRCh37 (hg19) VCF-style: chr7-128490102-C-T.
Other names: c.5200-336C>T (NM_001127487.2); short protein forms R1758W.
Identifiers: ClinVar variation 570505 (VCV000570505.48), dbSNP rs369187211, ClinGen allele CA4475621.

ClinVar aggregate classification (germline): Conflicting classifications of pathogenicity. Review status: criteria provided, conflicting classifications (1 of 4 stars). 10 submissions from 10 submitters: Uncertain significance (4); Likely benign (6). Last evaluated 2026-03-27.

Conditions:
Distal myopathy with posterior leg and anterior hand involvement. Also called: WILLIAMS DISTAL MYOPATHY. Identifiers: Orphanet 63273, MedGen C3279722, MONDO:0013550, OMIM 614065.
Myofibrillar myopathy 5. Also called: Filaminopathy (type); FILAMINOPATHY, AUTOSOMAL DOMINANT. Identifiers: Orphanet 171445, MedGen C1836050, MONDO:0012289, OMIM 609524.
Hypertrophic cardiomyopathy 26. Also called: Cardiomyopathy, familial hypertrophic, 26. Identifiers: Orphanet 75249, MedGen C4310749, MONDO:0014883, OMIM 617047.
FLNC-related disorder. Also called: FLNC-related disorders; FLNC-related condition.
Cardiovascular phenotype. Identifiers: MedGen CN230736.
Cardiomyopathy (CMYO). Also called: Cardiomyopathies. Identifiers: Orphanet 167848, MedGen C0878544, MONDO:0004994, HP:0001638. Inheritance: Various modes of inheritance.

Allele frequency attached by ClinVar (database versions not stated): gnomAD 0.00001 and 0.00008; TOPMed 0.00006; ESP Exome Variant Server 0.00008; gnomAD exomes 0.00012; ExAC 0.00054.
gnomAD v4.1: 101 of 1,545,956 alleles (0.0065%); highest among the groups gnomAD compares: South Asian, 0.067%; 4 homozygotes.

Submissions (10):

Molecular Diagnostic Laboratory for Inherited Cardiovascular Disease, Montreal Heart Institute
Classification: Likely benign. Last evaluated: 2026-03-27. Review status: criteria provided, single submitter. Criteria: ACMG Guidelines, 2015. Collection method: clinical testing. Allele origin: germline. Affected: no.
Comment: BS1

PreventionGenetics, part of Exact Sciences
Classification: Likely benign for FLNC-related condition. Last evaluated: 2026-03-24. Review status: criteria provided, single submitter. Criteria: ACMG Guidelines, 2015. Collection method: clinical testing. Allele origin: germline.
Comment: This variant is classified as likely benign based on ACMG/AMP sequence variant interpretation guidelines (Richards et al. 2015 PMID: 25741868, with internal and published modifications).

Labcorp Genetics (formerly Invitae), Labcorp
Classification: Likely benign for Distal myopathy with posterior leg and anterior hand involvement; Myofibrillar myopathy 5; Hypertrophic cardiomyopathy 26. Last evaluated: 2025-12-31. Review status: criteria provided, single submitter. Criteria: Invitae Variant Classification Sherloc (09022015). Collection method: clinical testing. Allele origin: germline.

Ambry Genetics
Classification: Uncertain significance for Cardiovascular phenotype. Last evaluated: 2024-12-04. Review status: criteria provided, single submitter. Criteria: Ambry Variant Classification Scheme 2023. Collection method: clinical testing. Allele origin: germline.
Comment: The p.R1758W variant (also known as c.5272C>T), located in coding exon 31 of the FLNC gene, results from a C to T substitution at nucleotide position 5272. The arginine at codon 1758 is replaced by tryptophan, an amino acid with dissimilar properties. This variant has been detected in a frontotemporal dementia cohort (Janssens J et al. Acta Neuropathol Commun, 2015 Nov;3:68). This amino acid position is well conserved in available vertebrate species. In addition, this alteration is predicted to be tolerated by in silico analysis. Since supporting evidence is limited at this time, the clinical significance of this alteration remains unclear.

Blueprint Genetics
Classification: Likely benign. Last evaluated: 2024-02-27. Review status: criteria provided, single submitter. Criteria: ACMG Guidelines, 2015. Collection method: clinical testing. Allele origin: germline.

Revvity Omics, Revvity
Classification: Uncertain significance. Last evaluated: 2023-05-11. Review status: criteria provided, single submitter. Criteria: ACMG Guidelines, 2015. Collection method: clinical testing. Allele origin: germline.

CeGaT Center for Human Genetics Tuebingen
Classification: Likely benign. Last evaluated: 2023-02-01. Review status: criteria provided, single submitter. Criteria: CeGaT Center For Human Genetics Tuebingen Variant Classification Criteria Version 2. Collection method: clinical testing. Allele origin: germline. Affected: yes. Observed: 1 variant allele.
Comment: FLNC: BS2

CHEO Genetics Diagnostic Laboratory, Children's Hospital of Eastern Ontario
Classification: Uncertain significance for Cardiomyopathy. Last evaluated: 2022-04-06. Review status: criteria provided, single submitter. Criteria: ACMG Guidelines, 2015. Collection method: clinical testing. Allele origin: germline.

GeneDx
Classification: Likely benign. Last evaluated: 2021-01-18. Review status: criteria provided, single submitter. Criteria: GeneDx Variant Classification Process June 2021. Collection method: clinical testing. Allele origin: germline. Affected: yes.
Comment: Reported in one adult patient with sporadic frontotemporal dementia (Janssens et al., 2015); Reported in ClinVar as a variant of uncertain significance (ClinVar Variant ID#570505; Landrum et al., 2016); This variant is associated with the following publications: (PMID: 26555887)

Fulgent Genetics
Classification: Uncertain significance for Myofibrillar myopathy 5; Distal myopathy with posterior leg and anterior hand involvement; Hypertrophic cardiomyopathy 26. Last evaluated: 2018-10-31. Review status: criteria provided, single submitter. Criteria: ACMG Guidelines, 2015. Collection method: clinical testing. Allele origin: unknown.

Literature cited by the submitters: PubMed 26555887 (cited by Ambry Genetics).